The following is an entry in ClinVar:

ClinVar aggregate classification (germline): Pathogenic. Review status: criteria provided, multiple submitters, no conflicts (2 of 4 stars). 6 submissions from 5 submitters: Pathogenic (3). 3 of the submissions do not count toward it. Last evaluated 2025-08-14.

Conditions:
PPOX-related disorder. Also called: PPOX-related condition.
Variegate porphyria (VP). Also called: PPOX DEFICIENCY; PORPHYRIA, SOUTH AFRICAN TYPE; PROTOPORPHYRINOGEN OXIDASE DEFICIENCY. Identifiers: Orphanet 79473, MedGen C0162532, MONDO:0008297, OMIM 176200.
Variegate porphyria, childhood-onset (VPCO). Also called: VARIEGATE PORPHYRIA, HOMOZYGOUS VARIANT. Identifiers: MedGen C5882681, MONDO:0957577, OMIM 620483.

Allele frequency attached by ClinVar (database versions not stated): gnomAD exomes below 0.00001.
gnomAD v4.1: 7 of 1,614,124 alleles (0.00043%); highest among the groups gnomAD compares: Non-Finnish European, 0.00034%; no homozygotes.

Submissions (6):

Victorian Clinical Genetics Services, Murdoch Childrens Research Institute
Classification: Pathogenic for Variegate porphyria. Last evaluated: 2025-08-14. Review status: criteria provided, single submitter. Criteria: ACMG Guidelines, 2015. Collection method: clinical testing. Allele origin: germline. Affected: no.
Comment: This variant is classified as Pathogenic. Evidence in support of pathogenic classification: Variant is present in gnomAD <0.01 (v4: 7 heterozygote(s), 0 homozygote(s)); This variant has very strong previous evidence of pathogenicity in unrelated individuals. It is known as a founder allele introduced by the Dutch settlers to South Africa, where it accounts for 95% of variegate porphyria cases (PMIDs: 21910705, 23409300); Missense variant predicted to be damaging by in silico tool(s) or highly conserved with a major amino acid change. Additional information: Variant is predicted to result in a missense amino acid change from arginine to tryptophan; This gene is associated with both dominant and recessive disease. Bi-allelic variants cause severe, childhood-onset variegate porphyria (MIM#620483), whereas mono-allelic variants result in adult onset variegate porphyria (MIM#176200) with variable penetrance (PMIDs: 23409300, 33159949); Alternative amino acid change(s) at the same position are present in gnomAD (Highest allele count: v4: 2 heterozygote(s), 0 homozygote(s)); Variant is located in the annotated amino-oxidase domain (DECIPHER); Loss of function is a known mechanism of disease in this gene and is associated with variegate porphyria (MIM#176200) and variegate porphyria, childhood-onset (MIM#620483); The condition associated with this gene has incomplete penetrance (PMIDs: 21910705, 23409300); Variants in this gene are known to have variable expressivity. In dominant disease, symptoms are more common in women, and acute manifestations are highly variable and can become chronic (PMID: 23409300).

Labcorp Genetics (formerly Invitae), Labcorp
Classification: Pathogenic. Last evaluated: 2024-12-23. Review status: criteria provided, single submitter. Criteria: Invitae Variant Classification Sherloc (09022015). Collection method: clinical testing. Allele origin: germline.
Comment: This sequence change replaces arginine, which is basic and polar, with tryptophan, which is neutral and slightly polar, at codon 59 of the PPOX protein (p.Arg59Trp). This variant is not present in population databases (gnomAD no frequency). This missense change has been observed in individuals with variegate porphyria (PMID: 8673113, 8817334). It is commonly reported in individuals of South African ancestry (PMID: 8673113, 8817334). ClinVar contains an entry for this variant (Variation ID: 8696). Invitae Evidence Modeling of protein sequence and biophysical properties (such as structural, functional, and spatial information, amino acid conservation, physicochemical variation, residue mobility, and thermodynamic stability) indicates that this missense variant is expected to disrupt PPOX protein function with a positive predictive value of 95%. Experimental studies have shown that this missense change affects PPOX function (PMID: 12922165). For these reasons, this variant has been classified as Pathogenic.

Blueprint Genetics
Classification: Pathogenic for PPOX-related disorders. Last evaluated: 2024-08-16. Review status: criteria provided, single submitter. Criteria: ACMG Guidelines, 2015. Collection method: clinical testing. Allele origin: germline. Affected: yes. Observed: 5 variant alleles.

OMIM
Classification: Pathogenic for VARIEGATE PORPHYRIA, CHILDHOOD-ONSET. Last evaluated: 1999-08-01. Review status: no assertion criteria provided. Collection method: literature only. Allele origin: germline. Not counted in ClinVar's aggregate classification.

OMIM
Classification: Pathogenic for VARIEGATE PORPHYRIA. Last evaluated: 1999-08-01. Review status: no assertion criteria provided. Collection method: literature only. Allele origin: germline. Not counted in ClinVar's aggregate classification.

GeneReviews
No classification provided. Condition: Variegate porphyria. Review status: no classification provided. Collection method: literature only. Allele origin: germline. Not counted in ClinVar's aggregate classification.

Literature cited by the submitters: PubMed 33159949 (cited by Victorian Clinical Genetics Services, Murdoch Childrens Research Institute); PubMed 21910705 (cited by Victorian Clinical Genetics Services, Murdoch Childrens Research Institute); PubMed 23409300 (cited by Victorian Clinical Genetics Services, Murdoch Childrens Research Institute and GeneReviews); PubMed 8673113 (cited by 3 submitters); PubMed 8817334 (cited by Labcorp Genetics (formerly Invitae), Labcorp and OMIM); PubMed 12922165 (cited by Labcorp Genetics (formerly Invitae), Labcorp); PubMed 8290408 (cited by OMIM); PubMed 10401000 (cited by OMIM); Dean, G. The Porphyrias. A Story of Inheritance and Environment. Philadelphia: J. B. Lippincott (pub.) 1972. (cited by OMIM); PubMed 10870850 (cited by OMIM).

NM_001122764.3(PPOX):c.175C>T (p.Arg59Trp)

Gene: PPOX (protoporphyrinogen oxidase; plus strand). Cytogenetic location: 1q23.3.
Variant type: single nucleotide variant.
Coding change: c.175C>T on transcript NM_001122764.3 (MANE Select); coding-DNA position 175, C replaced by T.
Protein change: p.Arg59Trp; replaces arginine 59 with tryptophan.
Molecular consequence: missense variant. On other transcripts: 5 prime UTR variant (5).
Genome position (GRCh38, 1-based): chr1:161,167,187, C>T. VCF-style: chr1-161167187-C-T. GRCh37 (hg19) VCF-style: chr1-161136977-C-T.
Other names: c.175C>T, p.Arg59Trp (NM_000309.5, NM_001350128.2, NM_001365398.1 and 1 more transcripts); c.-253C>T (NM_001350129.2); c.-344C>T (NM_001350130.2); c.-230C>T (NM_001350131.2); c.-137C>T (NM_001365400.1); c.-196C>T (NM_001365401.1); short protein forms R59W.
Identifiers: ClinVar variation 8696 (VCV000008696.19), dbSNP rs121918324, ClinGen allele CA340813.